The following is an entry in ClinVar:

ClinVar aggregate classification (germline): Uncertain significance (1 of 4 stars; one submission).

gnomAD v4.1: 1 of 1,609,004 alleles (0.000062%); highest among the groups gnomAD compares: African/African-American, 0.0013%; no homozygotes.

Submission:

Dasa
Classification: Uncertain significance. Last evaluated: 2025-11-04. Review status: criteria provided, single submitter. Criteria: DASA Assertion Criteria. Collection method: clinical testing. Allele origin: germline.
Comment: NM_001080453.3(INTS1):c.2318+13G>T is an intronic variant. This variant is rare in population databases. The currently available literature and clinical evidence are not sufficient to establish a definitive association between this variant and the reported condition. Therefore, this variant is classified as a variant of uncertain significance.

NM_001080453.3(INTS1):c.2318+13G>T

Gene: INTS1 (integrator complex subunit 1; minus strand). Cytogenetic location: 7p22.3.
Variant type: single nucleotide variant.
Coding change: c.2318+13G>T on transcript NM_001080453.3 (MANE Select); 13 bases into the intron after coding-DNA position 2318, G replaced by T.
Molecular consequence: intron variant.
Genome position (GRCh38, 1-based): chr7:1,489,331, C>A on the plus strand (G>T on the coding strand, the complement: INTS1 is on the minus strand). VCF-style: chr7-1489331-C-A. GRCh37 (hg19) VCF-style: chr7-1528967-C-A.
Identifiers: ClinVar variation 4880842 (VCV004880842.2).